The following is an entry in ClinVar:

NM_033026.6(PCLO):c.2549A>C (p.Gln850Pro)

Gene: PCLO (piccolo presynaptic cytomatrix protein; minus strand). Cytogenetic location: 7q21.11.
Variant type: single nucleotide variant.
Coding change: c.2549A>C on transcript NM_033026.6 (MANE Select); coding-DNA position 2549, A replaced by C.
Protein change: p.Gln850Pro; replaces glutamine 850 with proline.
Molecular consequence: missense variant.
Genome position (GRCh38, 1-based): chr7:83,135,001, T>G on the plus strand (A>C on the coding strand, the complement: PCLO is on the minus strand). VCF-style: chr7-83135001-T-G. GRCh37 (hg19) VCF-style: chr7-82764317-T-G.
Other names: c.2549A>C, p.Gln850Pro (NM_014510.3); short protein forms Q850P.
Identifiers: ClinVar variation 3642367 (VCV003642367.2).

ClinVar aggregate classification (germline): Uncertain significance (1 of 4 stars; one submission).

Submission:

Labcorp Genetics (formerly Invitae), Labcorp
Classification: Uncertain significance. Last evaluated: 2024-02-21. Review status: criteria provided, single submitter. Criteria: Invitae Variant Classification Sherloc (09022015). Collection method: clinical testing. Allele origin: germline.
Comment: This sequence change replaces glutamine, which is neutral and polar, with proline, which is neutral and non-polar, at codon 850 of the PCLO protein (p.Gln850Pro). This variant is not present in population databases (gnomAD no frequency). This variant has not been reported in the literature in individuals affected with PCLO-related conditions. Algorithms developed to predict the effect of missense changes on protein structure and function output the following: SIFT: "Not Available"; PolyPhen-2: "Not Available"; Align-GVGD: "Not Available". The proline amino acid residue is found in multiple mammalian species, which suggests that this missense change does not adversely affect protein function. In summary, the available evidence is currently insufficient to determine the role of this variant in disease. Therefore, it has been classified as a Variant of Uncertain Significance.